The following is an entry in ClinVar:

ClinVar aggregate classification (germline): Uncertain significance (1 of 4 stars; one submission).

Conditions:
Hereditary cancer-predisposing syndrome. Also called: Neoplastic Syndromes, Hereditary; Tumor predisposition; Hereditary Cancer Syndrome; Hereditary neoplastic syndrome. Identifiers: Orphanet 140162, MedGen C0027672, MeSH D009386, MONDO:0015356.

Submission:

Ambry Genetics
Classification: Uncertain significance for Hereditary cancer-predisposing syndrome. Last evaluated: 2018-10-25. Review status: criteria provided, single submitter. Criteria: Ambry Variant Classification Scheme 2023. Collection method: clinical testing. Allele origin: germline.
Comment: The p.R407M variant (also known as c.1220G>T), located in coding exon 11 of the PMS2 gene, results from a G to T substitution at nucleotide position 1220. The arginine at codon 407 is replaced by methionine, an amino acid with similar properties. This amino acid position is poorly conserved in available vertebrate species. In addition, this alteration is predicted to be tolerated by in silico analysis. Since supporting evidence is limited at this time, the clinical significance of this alteration remains unclear.

NM_000535.7(PMS2):c.1220G>T (p.Arg407Met)

Gene: PMS2 (PMS1 homolog 2, mismatch repair system component; minus strand). Cytogenetic location: 7p22.1.
Variant type: single nucleotide variant.
Coding change: c.1220G>T on transcript NM_000535.7 (MANE Select); coding-DNA position 1220, G replaced by T.
Protein change: p.Arg407Met; replaces arginine 407 with methionine.
Molecular consequence: missense variant. On other transcripts: non-coding transcript variant (1).
Genome position (GRCh38, 1-based): chr7:5,987,545, C>A on the plus strand (G>T on the coding strand, the complement: PMS2 is on the minus strand). VCF-style: chr7-5987545-C-A. GRCh37 (hg19) VCF-style: chr7-6027176-C-A.
Other names: c.659G>T, p.Arg220Met (NM_001406907.1, NM_001322010.2, NM_001406906.1); c.815G>T, p.Arg272Met (NM_001406908.1, NM_001406910.1, NM_001018040.1 and 17 more transcripts); c.647G>T, p.Arg216Met (NM_001406909.1, NM_001322013.2); c.449G>T, p.Arg150Met (NM_001406911.1); c.1064G>T, p.Arg355Met (NM_001322006.2, NM_001406870.1); c.902G>T, p.Arg301Met (NM_001322007.2, NM_001322008.2, NM_001406876.1 and 2 more transcripts); c.287G>T, p.Arg96Met (NM_001322011.2, NM_001322012.2); c.1220G>T, p.Arg407Met (NM_001322014.2, NM_001406871.1, NM_001406872.1); and 12 more; short protein forms R150M, R299M, R301M, R351M, R371M, R236M, R249M, R272M.
Identifiers: ClinVar variation 1753010 (VCV001753010.2), dbSNP rs766400994, ClinGen allele CA366742541.